The following is an entry in ClinVar:

NM_139076.3(ABRAXAS1):c.735G>T (p.Lys245Asn)

Gene: ABRAXAS1 (abraxas 1, BRCA1 A complex subunit; minus strand). Cytogenetic location: 4q21.23.
Variant type: single nucleotide variant.
Coding change: c.735G>T on transcript NM_139076.3 (MANE Select); coding-DNA position 735, G replaced by T.
Protein change: p.Lys245Asn; replaces lysine 245 with asparagine.
Molecular consequence: missense variant.
Genome position (GRCh38, 1-based): chr4:83,463,555, C>A on the plus strand (G>T on the coding strand, the complement: ABRAXAS1 is on the minus strand). VCF-style: chr4-83463555-C-A. GRCh37 (hg19) VCF-style: chr4-84384708-C-A.
Other names: c.408G>T, p.Lys136Asn (NM_001345962.2); short protein forms K136N, K245N.
Identifiers: ClinVar variation 640839 (VCV000640839.20), dbSNP rs1230517929, ClinGen allele CA357256896.

ClinVar aggregate classification (germline): Uncertain significance. Review status: criteria provided, multiple submitters, no conflicts (2 of 4 stars). 2 submissions from 2 submitters: Uncertain significance (2). Last evaluated 2025-08-11.

Allele frequency attached by ClinVar (database versions not stated): TOPMed below 0.00001; gnomAD 0.00001; gnomAD exomes 0.00001.
gnomAD v4.1: 13 of 1,611,802 alleles (0.00081%); highest among the groups gnomAD compares: Admixed American, 0.0017%; no homozygotes.

Submissions (2):

Ambry Genetics
Classification: Uncertain significance. Last evaluated: 2025-08-11. Review status: criteria provided, single submitter. Criteria: Ambry Variant Classification Scheme 2023. Collection method: clinical testing. Allele origin: germline.

Labcorp Genetics (formerly Invitae), Labcorp
Classification: Uncertain significance. Last evaluated: 2025-05-12. Review status: criteria provided, single submitter. Criteria: Invitae Variant Classification Sherloc (09022015). Collection method: clinical testing. Allele origin: germline.
Comment: This sequence change replaces lysine, which is basic and polar, with asparagine, which is neutral and polar, at codon 245 of the ABRAXAS1 protein (p.Lys245Asn). This variant is present in population databases (no rsID available, gnomAD 0.005%). This variant has not been reported in the literature in individuals affected with ABRAXAS1-related conditions. ClinVar contains an entry for this variant (Variation ID: 640839). Invitae Evidence Modeling of protein sequence and biophysical properties (such as structural, functional, and spatial information, amino acid conservation, physicochemical variation, residue mobility, and thermodynamic stability) indicates that this missense variant is not expected to disrupt ABRAXAS1 protein function with a negative predictive value of 80%. In summary, the available evidence is currently insufficient to determine the role of this variant in disease. Therefore, it has been classified as a Variant of Uncertain Significance.